The following is an entry in ClinVar:

ClinVar aggregate classification (germline): Benign/Likely benign. Review status: criteria provided, multiple submitters, no conflicts (2 of 4 stars). 7 submissions from 7 submitters: Benign (6); Likely benign (1). Last evaluated 2026-03-31.

Conditions:
Autoinflammatory syndrome. Identifiers: Orphanet 93665, MedGen C3890737, MONDO:0019751.
Majeed syndrome (MJDS). Also called: CHRONIC RECURRENT MULTIFOCAL OSTEOMYELITIS 1, WITH CONGENITAL DYSERYTHROPOIETIC ANEMIA, WITH OR WITHOUT NEUTROPHILIC DERMATOSIS; LPIN2-Related Majeed Syndrome. Identifiers: Orphanet 77297, MedGen C1864997, MONDO:0012316, OMIM 609628.

Allele frequency attached by ClinVar (database versions not stated): gnomAD exomes 0.00085 and 0.00206; ExAC 0.00262; gnomAD 0.00819 and 0.00873; ESP Exome Variant Server 0.00892; TOPMed 0.00914; 1000 Genomes Project 0.00919; 1000 Genomes Project 30x 0.01062.
gnomAD v4.1: 2,557 of 1,614,160 alleles (0.16%); highest among the groups gnomAD compares: African/African-American, 2.9%; 40 homozygotes.

Submissions (7):

Women's Health and Genetics/Laboratory Corporation of America, LabCorp
Classification: Likely benign. Last evaluated: 2026-03-31. Review status: criteria provided, single submitter. Criteria: LabCorp Variant Classification Summary - May 2015. Collection method: clinical testing. Allele origin: germline.

Labcorp Genetics (formerly Invitae), Labcorp
Classification: Benign for Majeed syndrome. Last evaluated: 2026-02-01. Review status: criteria provided, single submitter. Criteria: Invitae Variant Classification Sherloc (09022015). Collection method: clinical testing. Allele origin: germline.

ARUP Laboratories, Molecular Genetics and Genomics, ARUP Laboratories
Classification: Benign for Majeed syndrome. Last evaluated: 2025-07-21. Review status: criteria provided, single submitter. Criteria: ARUP Molecular Germline Variant Investigation Process 2024. Collection method: clinical testing. Allele origin: germline.

Mayo Clinic Laboratories, Mayo Clinic
Classification: Benign. Last evaluated: 2022-08-08. Review status: criteria provided, single submitter. Criteria: ACMG Guidelines, 2015. Collection method: clinical testing. Allele origin: germline. Observed: 5 variant alleles.
Comment: BS1, BS2, BP4

Genome Diagnostics Laboratory, The Hospital for Sick Children
Classification: Benign for Autoinflammatory syndrome. Last evaluated: 2022-05-03. Review status: criteria provided, single submitter. Criteria: ACMG Guidelines, 2015. Collection method: clinical testing. Allele origin: germline. Affected: yes.

GeneDx
Classification: Benign. Last evaluated: 2016-10-19. Review status: criteria provided, single submitter. Criteria: GeneDx Variant Classification (06012015). Collection method: clinical testing. Allele origin: germline. Affected: yes.
Comment: This variant is considered likely benign or benign based on one or more of the following criteria: it is a conservative change, it occurs at a poorly conserved position in the protein, it is predicted to be benign by multiple in silico algorithms, and/or has population frequency not consistent with disease.

Breakthrough Genomics
Classification: Benign. Review status: criteria provided, single submitter. Criteria: ACMG Guidelines, 2015. Collection method: not provided. Allele origin: germline. Inheritance: Unknown mechanism. Affected: yes.

NM_001375808.2(LPIN2):c.1867C>T (p.Pro623Ser)

Gene: LPIN2 (lipin 2; minus strand). Cytogenetic location: 18p11.31.
Variant type: single nucleotide variant.
Coding change: c.1867C>T on transcript NM_001375808.2 (MANE Select); coding-DNA position 1867, C replaced by T.
Protein change: p.Pro623Ser; replaces proline 623 with serine.
Molecular consequence: missense variant.
Genome position (GRCh38, 1-based): chr18:2,925,295, G>A on the plus strand (C>T on the coding strand, the complement: LPIN2 is on the minus strand). VCF-style: chr18-2925295-G-A. GRCh37 (hg19) VCF-style: chr18-2925293-G-A.
Other names: p.Pro623Ser; c.1867C>T, p.Pro623Ser (NM_001375809.1, NM_014646.2); short protein forms P623S.
Identifiers: ClinVar variation 245641 (VCV000245641.28), dbSNP rs143090653, ClinGen allele CA8872930.